The following is an entry in ClinVar:

NM_000834.5(GRIN2B):c.29C>A (p.Pro10His)

Gene: GRIN2B (glutamate ionotropic receptor NMDA type subunit 2B; minus strand). Cytogenetic location: 12p13.1.
Variant type: single nucleotide variant.
Coding change: c.29C>A on transcript NM_000834.5 (MANE Select); coding-DNA position 29, C replaced by A.
Protein change: p.Pro10His; replaces proline 10 with histidine.
Molecular consequence: missense variant.
Genome position (GRCh38, 1-based): chr12:13,866,180, G>T on the plus strand (C>A on the coding strand, the complement: GRIN2B is on the minus strand). VCF-style: chr12-13866180-G-T. GRCh37 (hg19) VCF-style: chr12-14019114-G-T.
Other names: short protein forms P10H.
Identifiers: ClinVar variation 1701006 (VCV001701006.2), dbSNP rs898703967, ClinGen allele CA233148023.

ClinVar aggregate classification (germline): Uncertain significance (1 of 4 stars; one submission).

Submission:

GeneDx
Classification: Uncertain significance. Last evaluated: 2022-02-11. Review status: criteria provided, single submitter. Criteria: GeneDx Variant Classification Process June 2021. Collection method: clinical testing. Allele origin: germline. Affected: yes.
Comment: Not observed at significant frequency in large population cohorts (gnomAD); In silico analysis supports that this missense variant does not alter protein structure/function; Has not been previously published as pathogenic or benign to our knowledge